The following is an entry in ClinVar:

NM_001130144.3(LTBP3):c.616G>A (p.Ala206Thr)

Gene: LTBP3 (latent transforming growth factor beta binding protein 3; minus strand). Cytogenetic location: 11q13.1.
Variant type: single nucleotide variant.
Coding change: c.616G>A on transcript NM_001130144.3 (MANE Select); coding-DNA position 616, G replaced by A.
Protein change: p.Ala206Thr; replaces alanine 206 with threonine.
Molecular consequence: missense variant.
Genome position (GRCh38, 1-based): chr11:65,554,096, C>T on the plus strand (G>A on the coding strand, the complement: LTBP3 is on the minus strand). VCF-style: chr11-65554096-C-T. GRCh37 (hg19) VCF-style: chr11-65321567-C-T.
Other names: c.265G>A, p.Ala89Thr (NM_001164266.1); c.616G>A, p.Ala206Thr (NM_021070.4); short protein forms A89T, A206T.
Identifiers: ClinVar variation 2991229 (VCV002991229.3), dbSNP rs747180627, ClinGen allele CA223969993.

ClinVar aggregate classification (germline): Uncertain significance (1 of 4 stars; one submission).

Conditions:
Brachyolmia-amelogenesis imperfecta syndrome. Also called: Tooth agenesis, selective, 6; Dental anomalies and short stature; PLATYSPONDYLY WITH AMELOGENESIS IMPERFECTA. Identifiers: Orphanet 2899, MedGen C1832594, MONDO:0011018, OMIM 601216. Disease mechanism: loss of function.

Allele frequency attached by ClinVar (database versions not stated): gnomAD 0.00001; TOPMed 0.00001.

Submission:

Labcorp Genetics (formerly Invitae), Labcorp
Classification: Uncertain significance for Brachyolmia-amelogenesis imperfecta syndrome. Last evaluated: 2023-09-01. Review status: criteria provided, single submitter. Criteria: Invitae Variant Classification Sherloc (09022015). Collection method: clinical testing. Allele origin: germline.
Comment: In summary, the available evidence is currently insufficient to determine the role of this variant in disease. Therefore, it has been classified as a Variant of Uncertain Significance. An algorithm developed to predict the effect of missense changes on protein structure and function (PolyPhen-2) suggests that this variant is likely to be tolerated. This variant has not been reported in the literature in individuals affected with LTBP3-related conditions. This variant is not present in population databases (gnomAD no frequency). This sequence change replaces alanine, which is neutral and non-polar, with threonine, which is neutral and polar, at codon 206 of the LTBP3 protein (p.Ala206Thr).